The following is an entry in ClinVar:

NM_000350.3(ABCA4):c.818G>T (p.Trp273Leu)

Gene: ABCA4 (ATP binding cassette subfamily A member 4; minus strand). Cytogenetic location: 1p22.1.
Variant type: single nucleotide variant.
Coding change: c.818G>T on transcript NM_000350.3 (MANE Select); coding-DNA position 818, G replaced by T.
Protein change: p.Trp273Leu; replaces tryptophan 273 with leucine.
Molecular consequence: missense variant.
Genome position (GRCh38, 1-based): chr1:94,083,392, C>A on the plus strand (G>T on the coding strand, the complement: ABCA4 is on the minus strand). VCF-style: chr1-94083392-C-A. GRCh37 (hg19) VCF-style: chr1-94548948-C-A.
Other names: c.818G>T, p.Trp273Leu (NM_001425324.1); short protein forms W273L.
Identifiers: ClinVar variation 1059305 (VCV001059305.9), dbSNP rs1388510409, ClinGen allele CA341285064.
Genomic context (GRCh38, chr1:94,083,392, plus strand): 5'-ACTACCATCAGGCTACTCACCTCTTGAATTCTTGGTGACATATCAGATAATATTCCTCCC[C>A]AAGATCTCAGATTGATACCTTGAGAACGGCTGTCTAGGAGTGTGGGAAGCTGTAATTGAC-3'
Protein context (NP_000341.2, residues 263-283): SRSQGINLRS[Trp273Leu]GGILSDMSPR

ClinVar aggregate classification (germline): Uncertain significance (1 of 4 stars; one submission).

Allele frequency attached by ClinVar (database versions not stated): gnomAD exomes below 0.00001.
gnomAD v4.1: 1 of 1,613,800 alleles (0.000062%); highest among the groups gnomAD compares: Admixed American, 0.0017%; no homozygotes.

Submission:

Labcorp Genetics (formerly Invitae), Labcorp
Classification: Uncertain significance. Last evaluated: 2021-03-09. Review status: criteria provided, single submitter. Criteria: Invitae Variant Classification Sherloc (09022015). Collection method: clinical testing. Allele origin: germline.
Comment: In summary, the available evidence is currently insufficient to determine the role of this variant in disease. Therefore, it has been classified as a Variant of Uncertain Significance. Algorithms developed to predict the effect of missense changes on protein structure and function are either unavailable or do not agree on the potential impact of this missense change (SIFT: "Deleterious"; PolyPhen-2: "Benign"; Align-GVGD: "Class C55"). This variant has not been reported in the literature in individuals with ABCA4-related conditions. This variant is not present in population databases (ExAC no frequency). This sequence change replaces tryptophan with leucine at codon 273 of the ABCA4 protein (p.Trp273Leu). The tryptophan residue is highly conserved and there is a small physicochemical difference between tryptophan and leucine.